The following is an entry in ClinVar:

ClinVar aggregate classification (germline): Uncertain significance (1 of 4 stars; one submission).

gnomAD v4.1: 1 of 1,614,216 alleles (0.000062%); highest among the groups gnomAD compares: Non-Finnish European, 0.000085%; no homozygotes.

Submission:

Labcorp Genetics (formerly Invitae), Labcorp
Classification: Uncertain significance. Last evaluated: 2024-07-30. Review status: criteria provided, single submitter. Criteria: Invitae Variant Classification Sherloc (09022015). Collection method: clinical testing. Allele origin: germline.
Comment: This sequence change replaces methionine, which is neutral and non-polar, with threonine, which is neutral and polar, at codon 492 of the HIVEP2 protein (p.Met492Thr). This variant is not present in population databases (gnomAD no frequency). This variant has not been reported in the literature in individuals affected with HIVEP2-related conditions. Advanced modeling of protein sequence and biophysical properties (such as structural, functional, and spatial information, amino acid conservation, physicochemical variation, residue mobility, and thermodynamic stability) performed at Invitae indicates that this missense variant is not expected to disrupt HIVEP2 protein function with a negative predictive value of 80%. In summary, the available evidence is currently insufficient to determine the role of this variant in disease. Therefore, it has been classified as a Variant of Uncertain Significance.

NM_006734.4(HIVEP2):c.1475T>C (p.Met492Thr)

Gene: HIVEP2 (HIVEP zinc finger 2; minus strand). Cytogenetic location: 6q24.2.
Variant type: single nucleotide variant.
Coding change: c.1475T>C on transcript NM_006734.4 (MANE Select); coding-DNA position 1475, T replaced by C.
Protein change: p.Met492Thr; replaces methionine 492 with threonine.
Molecular consequence: missense variant.
Genome position (GRCh38, 1-based): chr6:142,773,264, A>G on the plus strand (T>C on the coding strand, the complement: HIVEP2 is on the minus strand). VCF-style: chr6-142773264-A-G. GRCh37 (hg19) VCF-style: chr6-143094401-A-G.
Other names: short protein forms M492T.
Identifiers: ClinVar variation 3642790 (VCV003642790.2).